The following is an entry in ClinVar:

ClinVar aggregate classification (germline): Uncertain significance (1 of 4 stars; one submission).

Allele frequency attached by ClinVar (database versions not stated): gnomAD 0.00001.
gnomAD v4.1: 15 of 1,613,880 alleles (0.00093%); highest among the groups gnomAD compares: South Asian, 0.0077%; no homozygotes.

Submission:

Labcorp Genetics (formerly Invitae), Labcorp
Classification: Uncertain significance. Last evaluated: 2022-01-17. Review status: criteria provided, single submitter. Criteria: Invitae Variant Classification Sherloc (09022015). Collection method: clinical testing. Allele origin: germline.
Comment: This sequence change replaces aspartic acid, which is acidic and polar, with asparagine, which is neutral and polar, at codon 157 of the STN1 protein (p.Asp157Asn). This variant is present in population databases (rs765462548, gnomAD 0.01%). This variant has not been reported in the literature in individuals affected with STN1-related conditions. Algorithms developed to predict the effect of missense changes on protein structure and function are either unavailable or do not agree on the potential impact of this missense change (SIFT: "Deleterious"; PolyPhen-2: "Possibly Damaging"; Align-GVGD: "Class C15"). In summary, the available evidence is currently insufficient to determine the role of this variant in disease. Therefore, it has been classified as a Variant of Uncertain Significance.

NM_024928.5(STN1):c.469G>A (p.Asp157Asn)

Gene: STN1 (STN1 subunit of CST complex; minus strand). Cytogenetic location: 10q24.33.
Variant type: single nucleotide variant.
Coding change: c.469G>A on transcript NM_024928.5 (MANE Select); coding-DNA position 469, G replaced by A.
Protein change: p.Asp157Asn; replaces aspartic acid 157 with asparagine.
Molecular consequence: missense variant.
Genome position (GRCh38, 1-based): chr10:103,898,989, C>T on the plus strand (G>A on the coding strand, the complement: STN1 is on the minus strand). VCF-style: chr10-103898989-C-T. GRCh37 (hg19) VCF-style: chr10-105658747-C-T.
Other names: short protein forms D157N.
Identifiers: ClinVar variation 2164807 (VCV002164807.1), dbSNP rs765462548, ClinGen allele CA5676601.